The following is an entry in ClinVar:

NM_002386.4(MC1R):c.494T>C (p.Val165Ala)

Gene: MC1R (melanocortin 1 receptor; plus strand). Cytogenetic location: 16q24.3.
Variant type: single nucleotide variant.
Coding change: c.494T>C on transcript NM_002386.4 (MANE Select); coding-DNA position 494, T replaced by C.
Protein change: p.Val165Ala; replaces valine 165 with alanine.
Molecular consequence: missense variant.
Genome position (GRCh38, 1-based): chr16:89,919,752, T>C. VCF-style: chr16-89919752-T-C. GRCh37 (hg19) VCF-style: chr16-89986160-T-C.
Other names: short protein forms V165A.
Identifiers: ClinVar variation 3871066 (VCV003871066.1).
Genomic context (GRCh38, chr16:89,919,752, plus strand): 5'-CCATCTTCTACGCACTGCGCTACCACAGCATCGTGACCCTGCCGCGGGCGCGGCGAGCCG[T>C]TGCGGCCATCTGGGTGGCCAGTGTCGTCTTCAGCACGCTCTTCATCGCCTACTACGACCA-3'
Protein context (NP_002377.4, residues 155-175): IVTLPRARRA[Val165Ala]AAIWVASVVF

ClinVar aggregate classification (germline): Uncertain significance (1 of 4 stars; one submission).

gnomAD v4.1: 1 of 1,608,364 alleles (0.000062%); highest among the groups gnomAD compares: South Asian, 0.0011%; no homozygotes.

Submission:

Ambry Genetics
Classification: Uncertain significance. Last evaluated: 2024-12-19. Review status: criteria provided, single submitter. Criteria: Ambry Variant Classification Scheme 2023. Collection method: clinical testing. Allele origin: germline.
Comment: The p.V165A variant (also known as c.494T>C), located in coding exon 1 of the MC1R gene, results from a T to C substitution at nucleotide position 494. The valine at codon 165 is replaced by alanine, an amino acid with similar properties. This amino acid position is conserved. In addition, this alteration is predicted to be tolerated by in silico analysis. Based on the available evidence, the clinical significance of this variant remains unclear.